The following is an entry in ClinVar:

ClinVar aggregate classification (germline): Likely pathogenic. Review status: criteria provided, multiple submitters, no conflicts (2 of 4 stars). 2 submissions from 2 submitters: Likely pathogenic (2). Last evaluated 2025-02-05.

Conditions:
Renal carnitine transport defect (CDSP). Also called: CARNITINE DEFICIENCY, SYSTEMIC, DUE TO DEFECT IN RENAL REABSORPTION OF CARNITINE; CARNITINE TRANSPORTER, PLASMA-MEMBRANE, DEFICIENCY OF; CARNITINE UPTAKE DEFECT; Carnitine Deficiency, Systemic; Primary carnitine deficiency; Systemic primary carnitine deficiency. Identifiers: Orphanet 158, MedGen C0342788, MONDO:0008919, OMIM 212140.
Carnitine deficiency. Identifiers: MedGen C1142132.

Submissions (2):

Natera, Inc.
Classification: Likely pathogenic for Carnitine deficiency. Last evaluated: 2025-02-05. Review status: criteria provided, single submitter. Criteria: Natera Variant Classification Schema (03/2026). Collection method: clinical testing. Allele origin: germline.
Comment: The c.858_859delTC variant in SLC22A5 is a frameshift variant predicted to shift the reading frame beginning at codon 287 and leads to a stop codon 4 codons downstream. This variant is expected to result in nonsense mediated decay, truncation, or a dysfunctional protein product. This variant is rare in the general population with a frequency below the threshold expected for the associated phenotype(s). Given the available evidence, this variant is classified as Likely Pathogenic.

Myriad Genetics, Inc.
Classification: Likely pathogenic for Renal carnitine transport defect. Last evaluated: 2022-04-01. Review status: criteria provided, single submitter. Criteria: Myriad Women's Health Autosomal Recessive and X-Linked Classification Criteria (2021). Collection method: clinical testing. Allele origin: unknown.
Comment: NM_003060.3(SLC22A5):c.858_859delTC(Q287Gfs*4) is expected to be pathogenic in the context of primary carnitine deficiency. This variant is predicted to lead to an abnormal or absent protein product due to the creation of a premature termination codon in SLC22A5, a gene where loss-of-function variants are known to be pathogenic. Please note: this variant was assessed in the context of healthy population screening.

NM_003060.4(SLC22A5):c.858_859del (p.Gln287fs)

Gene: SLC22A5 (solute carrier family 22 member 5; plus strand). Cytogenetic location: 5q31.1.
Variant type: Microsatellite.
Coding change: c.858_859del on transcript NM_003060.4 (MANE Select); coding-DNA positions 858 to 859, 2 bases deleted (TC; older notation c.858_859delTC).
Protein change: p.Gln287fs; shifts the reading frame from glutamine 287.
Molecular consequence: frameshift variant.
Genome position (GRCh38, 1-based): chr5:132,387,058-132,387,059, TC deleted; deleting any 2 consecutive bases within chr5:132,387,054-132,387,059 gives the same sequence; the c. name uses the placement nearest the transcript's 3' end. VCF-style (leftmost placement, unchanged base first): chr5-132387053-ATC-A. GRCh37 (hg19) VCF-style: chr5-131722745-ATC-A.
Other names: c.858_859delTC (NM_003060.3); c.930_931del, p.Gln311fs (NM_001308122.2); short protein forms Q287fs, Q311fs.
Identifiers: ClinVar variation 1725786 (VCV001725786.3), dbSNP rs2532125221, ClinGen allele CA2578402079.